The following is an entry in ClinVar:

NM_003073.5(SMARCB1):c.923T>A (p.Val308Asp)

Gene: SMARCB1 (SWI/SNF related BAF chromatin remodeling complex subunit B1; plus strand). Cytogenetic location: 22q11.23.
Variant type: single nucleotide variant.
Coding change: c.923T>A on transcript NM_003073.5 (MANE Select); coding-DNA position 923, T replaced by A.
Protein change: p.Val308Asp; replaces valine 308 with aspartic acid.
Molecular consequence: missense variant.
Genome position (GRCh38, 1-based): chr22:23,825,352, T>A. VCF-style: chr22-23825352-T-A. GRCh37 (hg19) VCF-style: chr22-24167539-T-A.
Other names: c.896T>A, p.Val299Asp (NM_001007468.3); c.950T>A, p.Val317Asp (NM_001317946.2); c.977T>A, p.Val326Asp (NM_001362877.2); short protein forms V317D, V326D, V299D, V308D.
Identifiers: ClinVar variation 3320809 (VCV003320809.1).

ClinVar aggregate classification (germline): Uncertain significance (1 of 4 stars; one submission).

Conditions:
Hereditary cancer-predisposing syndrome. Also called: Neoplastic Syndromes, Hereditary; Tumor predisposition; Hereditary neoplastic syndrome; Hereditary Cancer Syndrome. Identifiers: Orphanet 140162, MedGen C0027672, MeSH D009386, MONDO:0015356.

Submission:

Ambry Genetics
Classification: Uncertain significance for Hereditary cancer-predisposing syndrome. Last evaluated: 2024-04-24. Review status: criteria provided, single submitter. Criteria: Ambry Variant Classification Scheme 2023. Collection method: clinical testing. Allele origin: germline.
Comment: The p.V308D variant (also known as c.923T>A), located in coding exon 7 of the SMARCB1 gene, results from a T to A substitution at nucleotide position 923. The valine at codon 308 is replaced by aspartic acid, an amino acid with highly dissimilar properties. This amino acid position is conserved. In addition, this alteration is predicted to be deleterious by in silico analysis. Based on the available evidence, the clinical significance of this variant remains unclear.